The following is an entry in ClinVar:

NM_000111.3(SLC26A3):c.2117G>A (p.Ser706Asn)

Gene: SLC26A3 (solute carrier family 26 member 3; minus strand). Cytogenetic location: 7q22.3.
Variant type: single nucleotide variant.
Coding change: c.2117G>A on transcript NM_000111.3 (MANE Select); coding-DNA position 2117, G replaced by A.
Protein change: p.Ser706Asn; replaces serine 706 with asparagine.
Molecular consequence: missense variant.
Genome position (GRCh38, 1-based): chr7:107,767,854, C>T on the plus strand (G>A on the coding strand, the complement: SLC26A3 is on the minus strand). VCF-style: chr7-107767854-C-T. GRCh37 (hg19) VCF-style: chr7-107408299-C-T.
Other names: short protein forms S706N.
Identifiers: ClinVar variation 1372656 (VCV001372656.6), dbSNP rs2115783464, ClinGen allele CA368849698.

ClinVar aggregate classification (germline): Uncertain significance (1 of 4 stars; one submission).

Submission:

Labcorp Genetics (formerly Invitae), Labcorp
Classification: Uncertain significance. Last evaluated: 2025-03-18. Review status: criteria provided, single submitter. Criteria: Invitae Variant Classification Sherloc (09022015). Collection method: clinical testing. Allele origin: germline.
Comment: This sequence change replaces serine, which is neutral and polar, with asparagine, which is neutral and polar, at codon 706 of the SLC26A3 protein (p.Ser706Asn). This variant is not present in population databases (gnomAD no frequency). This variant has not been reported in the literature in individuals affected with SLC26A3-related conditions. ClinVar contains an entry for this variant (Variation ID: 1372656). Invitae Evidence Modeling of protein sequence and biophysical properties (such as structural, functional, and spatial information, amino acid conservation, physicochemical variation, residue mobility, and thermodynamic stability) indicates that this missense variant is not expected to disrupt SLC26A3 protein function with a negative predictive value of 80%. In summary, the available evidence is currently insufficient to determine the role of this variant in disease. Therefore, it has been classified as a Variant of Uncertain Significance.